The following is an entry in ClinVar:

ClinVar aggregate classification (germline): Uncertain significance (1 of 4 stars; one submission).

Conditions:
Progressive myoclonic epilepsy. Also called: Familial progressive myoclonic epilepsy; Myoclonus epilepsy; Progressive myoclonus epilepsy; Myoclonic Epilepsies, Progressive. Identifiers: Orphanet 308, Orphanet 98261, MedGen C0751778, MONDO:0020074.

Allele frequency attached by ClinVar (database versions not stated): gnomAD exomes 0.00001.
gnomAD v4.1: 3 of 1,613,276 alleles (0.00019%); highest among the groups gnomAD compares: Non-Finnish European, 0.00025%; no homozygotes.

Submission:

Labcorp Genetics (formerly Invitae), Labcorp
Classification: Uncertain significance for Progressive myoclonic epilepsy. Last evaluated: 2022-10-13. Review status: criteria provided, single submitter. Criteria: Invitae Variant Classification Sherloc (09022015). Collection method: clinical testing. Allele origin: germline.
Comment: This sequence change replaces glycine, which is neutral and non-polar, with arginine, which is basic and polar, at codon 160 of the GOSR2 protein (p.Gly160Arg). This variant is present in population databases (no rsID available, gnomAD 0.0009%). This variant has not been reported in the literature in individuals affected with GOSR2-related conditions. Algorithms developed to predict the effect of missense changes on protein structure and function (SIFT, PolyPhen-2, Align-GVGD) all suggest that this variant is likely to be disruptive. In summary, the available evidence is currently insufficient to determine the role of this variant in disease. Therefore, it has been classified as a Variant of Uncertain Significance.

NM_004287.5(GOSR2):c.478G>C (p.Gly160Arg)

Genes: GOSR2 (golgi SNAP receptor complex member 2; plus strand), LRRC37A2 (leucine rich repeat containing 37 member A2). Cytogenetic location: 17q21.32.
Variant type: single nucleotide variant.
Coding change: c.478G>C on transcript NM_004287.5 (MANE Select); coding-DNA position 478, G replaced by C.
Protein change: p.Gly160Arg; replaces glycine 160 with arginine.
Molecular consequence: missense variant. On other transcripts: non-coding transcript variant (3).
Genome position (GRCh38, 1-based): chr17:46,938,599, G>C. VCF-style: chr17-46938599-G-C. GRCh37 (hg19) VCF-style: chr17-45015965-G-C.
Other names: c.478G>C, p.Gly160Arg (NM_001321133.2, NM_054022.4); c.283G>C, p.Gly95Arg (NM_001321134.2); c.337G>C, p.Gly113Arg (NM_001330252.2); c.475G>C, p.Gly159Arg (NM_001353114.2); c.334G>C, p.Gly112Arg (NM_001353115.2, NM_001353116.2); c.424G>C, p.Gly142Arg (NM_001363851.2); short protein forms G95R, G113R, G159R, G160R, G112R, G142R.
Identifiers: ClinVar variation 1911920 (VCV001911920.2), dbSNP rs1476244562, ClinGen allele CA400018860.